The following is an entry in ClinVar:

NM_001292063.2(OTOG):c.6458C>T (p.Pro2153Leu)

Gene: OTOG (otogelin; plus strand). Cytogenetic location: 11p15.1.
Variant type: single nucleotide variant.
Coding change: c.6458C>T on transcript NM_001292063.2 (MANE Select); coding-DNA position 6458, C replaced by T.
Protein change: p.Pro2153Leu; replaces proline 2153 with leucine.
Molecular consequence: missense variant.
Genome position (GRCh38, 1-based): chr11:17,613,631, C>T. VCF-style: chr11-17613631-C-T. GRCh37 (hg19) VCF-style: chr11-17635178-C-T.
Other names: c.6494C>T, p.Pro2165Leu (NM_001277269.2); short protein forms P2153L, P2165L.
Identifiers: ClinVar variation 2166503 (VCV002166503.4), dbSNP rs1201251027, ClinGen allele CA379805157.

ClinVar aggregate classification (germline): Uncertain significance (1 of 4 stars; one submission).

gnomAD v4.1: 10 of 1,550,686 alleles (0.00064%); highest among the groups gnomAD compares: East Asian, 0.0073%; no homozygotes.

Submission:

Labcorp Genetics (formerly Invitae), Labcorp
Classification: Uncertain significance. Last evaluated: 2022-03-18. Review status: criteria provided, single submitter. Criteria: Invitae Variant Classification Sherloc (09022015). Collection method: clinical testing. Allele origin: germline.
Comment: This sequence change replaces proline, which is neutral and non-polar, with leucine, which is neutral and non-polar, at codon 2165 of the OTOG protein (p.Pro2165Leu). This variant is present in population databases (no rsID available, gnomAD 0.01%). This variant has not been reported in the literature in individuals affected with OTOG-related conditions. Algorithms developed to predict the effect of missense changes on protein structure and function are either unavailable or do not agree on the potential impact of this missense change (SIFT: "Deleterious"; PolyPhen-2: "Probably Damaging"; Align-GVGD: "Class C15"). In summary, the available evidence is currently insufficient to determine the role of this variant in disease. Therefore, it has been classified as a Variant of Uncertain Significance.